The following is an entry in ClinVar:

ClinVar aggregate classification (germline): Benign/Likely benign. Review status: criteria provided, multiple submitters, no conflicts (2 of 4 stars). 4 submissions from 4 submitters: Benign (2); Likely benign (2). Last evaluated 2025-12-02.

Allele frequency attached by ClinVar (database versions not stated): gnomAD exomes 0.00110; ExAC 0.00119; 1000 Genomes Project 30x 0.00187; 1000 Genomes Project 0.00200; gnomAD 0.00289 and 0.00312; ESP Exome Variant Server 0.00332; TOPMed 0.00347.
gnomAD v4.1: 1,106 of 1,610,418 alleles (0.069%); highest among the groups gnomAD compares: African/African-American, 0.83%; 3 homozygotes.

Submissions (4):

Labcorp Genetics (formerly Invitae), Labcorp
Classification: Benign. Last evaluated: 2025-12-02. Review status: criteria provided, single submitter. Criteria: Invitae Variant Classification Sherloc (09022015). Collection method: clinical testing. Allele origin: germline.

Mayo Clinic Laboratories, Mayo Clinic
Classification: Likely benign. Last evaluated: 2025-03-03. Review status: criteria provided, single submitter. Criteria: ACMG Guidelines, 2015. Collection method: clinical testing. Allele origin: germline. Observed: 1 variant allele.
Comment: BS1, BP4, BP7

Blueprint Genetics
Classification: Likely benign. Last evaluated: 2024-11-11. Review status: criteria provided, single submitter. Criteria: ACMG Guidelines, 2015. Collection method: clinical testing. Allele origin: germline.

Breakthrough Genomics
Classification: Benign. Review status: criteria provided, single submitter. Criteria: ACMG Guidelines, 2015. Collection method: not provided. Allele origin: germline. Inheritance: Autosomal recessive inheritance. Affected: yes.

NM_005560.6(LAMA5):c.9465C>T (p.Ser3155=)

Gene: LAMA5 (laminin subunit alpha 5; minus strand). Cytogenetic location: 20q13.33.
Variant type: single nucleotide variant.
Coding change: c.9465C>T on transcript NM_005560.6 (MANE Select); coding-DNA position 9465, C replaced by T.
Protein change: p.Ser3155=; no amino-acid change (serine 3155 retained).
Molecular consequence: synonymous variant.
Genome position (GRCh38, 1-based): chr20:62,312,212, G>A on the plus strand (C>T on the coding strand, the complement: LAMA5 is on the minus strand). VCF-style: chr20-62312212-G-A. GRCh37 (hg19) VCF-style: chr20-60887268-G-A.
Other names: p.Ser3155=.
Identifiers: ClinVar variation 1601472 (VCV001601472.11), dbSNP rs145840666, ClinGen allele CA9940231.
Genomic context (GRCh38, chr20:62,312,212, plus strand): 5'-GGCACGGGTGTGAGGTCTCACCGGGGACGCCCGGTAGTAGAGCAGGGCACTGTCCTGGGC[G>A]CTGTGGAAGCCGAAGCCGGAGTAGACGTTGCCAGTGAGCGGTGCCACGTTCGAGAGCGCC-3'
Protein context (NP_005551.3, residues 3145-3165): GNVYSGFGFH[Ser3155=]AQDSALLYYR